The following is an entry in ClinVar:

ClinVar aggregate classification (germline): Conflicting classifications of pathogenicity. Review status: criteria provided, conflicting classifications (1 of 4 stars). 2 submissions from 2 submitters: Uncertain significance (1); Likely benign (1). Last evaluated 2025-10-01.

Conditions:
Hennekam lymphangiectasia-lymphedema syndrome 2 (HKLLS2). Identifiers: Orphanet 2136, MedGen C4014939, MONDO:0014454, OMIM 616006.
Van Maldergem syndrome 2 (VMLDS2). Identifiers: Orphanet 314679, MedGen C3809875, MONDO:0014242, OMIM 615546.

Submissions (2):

CeGaT Center for Human Genetics Tuebingen
Classification: Likely benign. Last evaluated: 2025-10-01. Review status: criteria provided, single submitter. Criteria: CeGaT Center For Human Genetics Tuebingen Variant Classification Criteria Version 2. Collection method: clinical testing. Allele origin: germline. Affected: yes. Observed: 1 variant allele.
Comment: FAT4: PM2:Supporting, BP4, BP7

Fulgent Genetics
Classification: Uncertain significance for Van Maldergem syndrome 2; Hennekam lymphangiectasia-lymphedema syndrome 2. Last evaluated: 2024-02-28. Review status: criteria provided, single submitter. Criteria: ACMG Guidelines, 2015. Collection method: clinical testing. Allele origin: germline.

NM_001291303.3(FAT4):c.6810G>A (p.Glu2270=)

Gene: FAT4 (FAT atypical cadherin 4; plus strand). Cytogenetic location: 4q28.1.
Variant type: single nucleotide variant.
Coding change: c.6810G>A on transcript NM_001291303.3 (MANE Select); coding-DNA position 6810, G replaced by A.
Protein change: p.Glu2270=; no amino-acid change (glutamic acid 2270 retained).
Molecular consequence: synonymous variant.
Genome position (GRCh38, 1-based): chr4:125,415,773, G>A. VCF-style: chr4-125415773-G-A. GRCh37 (hg19) VCF-style: chr4-126336928-G-A.
Other names: c.6810G>A (NM_024582.5); c.6810G>A, p.Glu2270= (NM_001291285.3, NM_024582.6).
Identifiers: ClinVar variation 3589993 (VCV003589993.7).
Genomic context (GRCh38, chr4:125,415,773, plus strand): 5'-GGATATTAATGACTTTGTTCCTGTATTTGAGCTATCTCCATATTCTGTAAATGTCCCTGA[G>A]AATTTAGGGACACTACCCAGAACAATTCTTCAGGTCAGTATATTTAAATAAAGCAAGTAT-3'
Protein context (NP_001278232.1, residues 2260-2280): ELSPYSVNVP[Glu2270=]NLGTLPRTIL